The following is an entry in ClinVar:

ClinVar aggregate classification (germline): Uncertain significance (1 of 4 stars; one submission).

Submission:

Labcorp Genetics (formerly Invitae), Labcorp
Classification: Uncertain significance. Last evaluated: 2025-01-21. Review status: criteria provided, single submitter. Criteria: Invitae Variant Classification Sherloc (09022015). Collection method: clinical testing. Allele origin: germline.
Comment: This sequence change replaces alanine, which is neutral and non-polar, with valine, which is neutral and non-polar, at codon 221 of the CYP7A1 protein (p.Ala221Val). This variant is present in population databases (no rsID available, gnomAD 0.01%). This variant has not been reported in the literature in individuals affected with CYP7A1-related conditions. Invitae Evidence Modeling of protein sequence and biophysical properties (such as structural, functional, and spatial information, amino acid conservation, physicochemical variation, residue mobility, and thermodynamic stability) indicates that this missense variant is expected to disrupt CYP7A1 protein function with a positive predictive value of 80%. In summary, the available evidence is currently insufficient to determine the role of this variant in disease. Therefore, it has been classified as a Variant of Uncertain Significance.

NM_000780.4(CYP7A1):c.662C>T (p.Ala221Val)

Gene: CYP7A1 (cytochrome P450 family 7 subfamily A member 1; minus strand). Cytogenetic location: 8q12.1.
Variant type: single nucleotide variant.
Coding change: c.662C>T on transcript NM_000780.4 (MANE Select); coding-DNA position 662, C replaced by T.
Protein change: p.Ala221Val; replaces alanine 221 with valine.
Molecular consequence: missense variant.
Genome position (GRCh38, 1-based): chr8:58,496,850, G>A on the plus strand (C>T on the coding strand, the complement: CYP7A1 is on the minus strand). VCF-style: chr8-58496850-G-A. GRCh37 (hg19) VCF-style: chr8-59409409-G-A.
Other names: short protein forms A221V.
Identifiers: ClinVar variation 3694069 (VCV003694069.2).